The following is an entry in ClinVar:

ClinVar aggregate classification (germline): Uncertain significance (1 of 4 stars; one submission).

Conditions:
Hereditary spastic paraplegia 39 (SPG39). Also called: Spastic Paraplegia Type 39 (SPG39); SPASTIC PARAPLEGIA 39, AUTOSOMAL RECESSIVE. Identifiers: Orphanet 139480, MedGen C2677586, MONDO:0012787, OMIM 612020.

Allele frequency attached by ClinVar (database versions not stated): gnomAD exomes below 0.00001.
gnomAD v4.1: 1 of 1,546,178 alleles (0.000065%); highest among the groups gnomAD compares: Non-Finnish European, 0.000088%; no homozygotes.

Submission:

Labcorp Genetics (formerly Invitae), Labcorp
Classification: Uncertain significance for Hereditary spastic paraplegia 39. Last evaluated: 2019-11-28. Review status: criteria provided, single submitter. Criteria: Invitae Variant Classification Sherloc (09022015). Collection method: clinical testing. Allele origin: germline.
Comment: This sequence change replaces glycine with arginine at codon 939 of the PNPLA6 protein (p.Gly939Arg). The glycine residue is highly conserved and there is a moderate physicochemical difference between glycine and arginine. The frequency data for this variant in the population databases is considered unreliable, as metrics indicate insufficient coverage at this position in the ExAC database. This variant has not been reported in the literature in individuals with PNPLA6-related conditions. Algorithms developed to predict the effect of missense changes on protein structure and function are either unavailable or do not agree on the potential impact of this missense change (SIFT: "Deleterious"; PolyPhen-2: "Benign"; Align-GVGD: "Class C15"). In summary, the available evidence is currently insufficient to determine the role of this variant in disease. Therefore, it has been classified as a Variant of Uncertain Significance.

NM_001166114.2(PNPLA6):c.2929G>A (p.Gly977Arg)

Gene: PNPLA6 (patatin like domain 6, lysophospholipase; plus strand). Cytogenetic location: 19p13.2.
Variant type: single nucleotide variant.
Coding change: c.2929G>A on transcript NM_001166114.2 (MANE Select); coding-DNA position 2929, G replaced by A.
Protein change: p.Gly977Arg; replaces glycine 977 with arginine.
Molecular consequence: missense variant.
Genome position (GRCh38, 1-based): chr19:7,555,360, G>A. VCF-style: chr19-7555360-G-A. GRCh37 (hg19) VCF-style: chr19-7620246-G-A.
Other names: c.2959G>A, p.Gly987Arg (NM_001166111.2); c.2734G>A, p.Gly912Arg (NM_001166112.2); c.2815G>A, p.Gly939Arg (NM_001166113.1, NM_006702.5); short protein forms G939R, G977R, G912R, G987R.
Identifiers: ClinVar variation 852996 (VCV000852996.9), dbSNP rs1161640444, ClinGen allele CA403131001.